The following is an entry in ClinVar:

NM_000170.3(GLDC):c.*7G>C

Gene: GLDC (glycine decarboxylase; minus strand). Cytogenetic location: 9p24.1.
Variant type: single nucleotide variant.
Coding change: c.*7G>C on transcript NM_000170.3 (MANE Select); 7 bases downstream of the stop codon, G replaced by C.
Molecular consequence: 3 prime UTR variant.
Genome position (GRCh38, 1-based): chr9:6,533,010, C>G on the plus strand (G>C on the coding strand, the complement: GLDC is on the minus strand). VCF-style: chr9-6533010-C-G. GRCh37 (hg19) VCF-style: chr9-6533010-C-G.
Identifiers: ClinVar variation 255452 (VCV000255452.16), dbSNP rs2228098, ClinGen allele CA4979963.
Genomic context (GRCh38, chr9:6,533,010, plus strand): 5'-CTTTCTTGCTTATCAAATGCTCTGGGGAGAGGCATCAAATCAGTCCTTTAAACTTAGGGA[C>G]AGAGGACTAAGAAGACGCCCTCTTTTGTTCAGAAAATGGAGACTCATAAACTTCCATGGG-3'

ClinVar aggregate classification (germline): Benign/Likely benign. Review status: criteria provided, multiple submitters, no conflicts (2 of 4 stars). 11 submissions from 11 submitters: Benign (7); Likely benign (1). 3 of the submissions do not count toward it. Last evaluated 2024-11-27.

Conditions:
Glycine encephalopathy. Also called: Non-ketotic hyperglycinemia; Nonketotic hyperglycinemia. Identifiers: Orphanet 407, MedGen C0751748, MONDO:0011612, HP:0008288.

Allele frequency attached by ClinVar (database versions not stated): gnomAD exomes 0.64350 and 0.69077; ESP Exome Variant Server 0.65193; gnomAD 0.66615 and 0.67257; TOPMed 0.67646; ExAC 0.68590; 1000 Genomes Project 30x 0.75515; 1000 Genomes Project 0.75519.
gnomAD v4.1: 1,031,358 of 1,595,334 alleles (65%); highest among the groups gnomAD compares: East Asian, 95%; 337,953 homozygotes.

Submissions (11):

Blueprint Genetics
Classification: Likely benign. Last evaluated: 2024-11-27. Review status: criteria provided, single submitter. Criteria: ACMG Guidelines, 2015. Collection method: clinical testing. Allele origin: germline.

Mayo Clinic Laboratories, Mayo Clinic
Classification: Benign. Last evaluated: 2021-11-29. Review status: criteria provided, single submitter. Criteria: ACMG Guidelines, 2015. Collection method: clinical testing. Allele origin: germline. Observed: 224 variant alleles.

Genome-Nilou Lab
Classification: Benign for Glycine encephalopathy 1. Last evaluated: 2021-07-10. Review status: criteria provided, single submitter. Criteria: ACMG Guidelines, 2015. Collection method: clinical testing. Allele origin: germline. Affected: no.

GeneDx
Classification: Benign. Last evaluated: 2018-07-15. Review status: criteria provided, single submitter. Criteria: GeneDx Variant Classification Process June 2021. Collection method: clinical testing. Allele origin: germline. Affected: yes.

Illumina Laboratory Services, Illumina
Classification: Benign for Glycine encephalopathy 1. Last evaluated: 2018-01-12. Review status: criteria provided, single submitter. Criteria: ICSL Variant Classification Criteria 13 December 2019. Collection method: clinical testing. Allele origin: germline.
Comment: This variant was observed in the ICSL laboratory as part of a predisposition screen in an ostensibly healthy population. It had not been previously curated by ICSL or reported in the Human Gene Mutation Database (HGMD: prior to June 1st, 2018), and was therefore a candidate for classification through an automated scoring system. Utilizing variant allele frequency, disease prevalence and penetrance estimates, and inheritance mode, an automated score was calculated to assess if this variant is too frequent to cause the disease. Based on the score and internal cut-off values, a variant classified as benign is not then subjected to further curation. The score for this variant resulted in a classification of benign for this disease.

Athena Diagnostics
Classification: Benign. Last evaluated: 2017-04-20. Review status: criteria provided, single submitter. Criteria: Athena Diagnostics Criteria. Collection method: clinical testing. Allele origin: germline.

Breakthrough Genomics
Classification: Benign. Review status: criteria provided, single submitter. Criteria: ACMG Guidelines, 2015. Collection method: not provided. Allele origin: germline. Inheritance: Autosomal recessive inheritance. Affected: yes.

PreventionGenetics, part of Exact Sciences
Classification: Benign. Review status: criteria provided, single submitter. Criteria: ACMG Guidelines, 2015. Collection method: clinical testing. Allele origin: germline.

Natera, Inc.
Classification: Benign for Non-ketotic hyperglycinemia. Last evaluated: 2020-09-16. Review status: no assertion criteria provided. Collection method: clinical testing. Allele origin: germline. Not counted in ClinVar's aggregate classification.

Diagnostic Laboratory, Department of Genetics, University Medical Center Groningen
Classification: Benign for Glycine encephalopathy 1. Review status: no assertion criteria provided. Collection method: clinical testing. Allele origin: germline. Affected: yes. Study: VKGL Data-share Consensus. Not counted in ClinVar's aggregate classification.

Genome Diagnostics Laboratory, University Medical Center Utrecht
Classification: Likely benign. Review status: no assertion criteria provided. Collection method: clinical testing. Allele origin: germline. Affected: yes. Study: VKGL Data-share Consensus. Not counted in ClinVar's aggregate classification.